The following is an entry in ClinVar:

ClinVar aggregate classification (germline): Pathogenic. Review status: criteria provided, multiple submitters, no conflicts (2 of 4 stars). 2 submissions from 2 submitters: Pathogenic (2). Last evaluated 2021-06-14.

Conditions:
Duchenne muscular dystrophy (DMD). Also called: Duchenne Muscular Dystrophy (DMD); MUSCULAR DYSTROPHY, PSEUDOHYPERTROPHIC PROGRESSIVE, DUCHENNE TYPE. Identifiers: Orphanet 98896, MedGen C0013264, MONDO:0010679, OMIM 310200.

Submissions (2):

Labcorp Genetics (formerly Invitae), Labcorp
Classification: Pathogenic for Duchenne muscular dystrophy. Last evaluated: 2021-06-14. Review status: criteria provided, single submitter. Criteria: Invitae Variant Classification Sherloc (09022015). Collection method: clinical testing. Allele origin: germline.
Comment: This sequence change creates a premature translational stop signal (p.Gln2632*) in the DMD gene. It is expected to result in an absent or disrupted protein product. Loss-of-function variants in DMD are known to be pathogenic (PMID: 16770791, 25007885). This variant is not present in population databases (ExAC no frequency). This variant has been observed in individual(s) with DMD-related conditions (PMID: 28859693). ClinVar contains an entry for this variant (Variation ID: 94781). For these reasons, this variant has been classified as Pathogenic.

Eurofins Ntd Llc (ga)
Classification: Pathogenic. Last evaluated: 2012-10-24. Review status: criteria provided, single submitter. Criteria: EGL Classification Definitions 2015. Collection method: clinical testing. Allele origin: germline. Observed: 4 variant alleles, 2 heterozygotes, 2 hemizygotes.

Literature cited by the submitters: PubMed 16770791 (cited by Labcorp Genetics (formerly Invitae), Labcorp); PubMed 25007885 (cited by Labcorp Genetics (formerly Invitae), Labcorp); PubMed 28859693 (cited by Labcorp Genetics (formerly Invitae), Labcorp).

NM_004006.3(DMD):c.7894C>T (p.Gln2632Ter)

Gene: DMD (dystrophin; minus strand). Cytogenetic location: Xp21.1.
Variant type: single nucleotide variant.
Coding change: c.7894C>T on transcript NM_004006.3 (MANE Select); coding-DNA position 7894, C replaced by T.
Protein change: p.Gln2632Ter; replaces glutamine 2632 with a stop codon.
Molecular consequence: nonsense.
Genome position (GRCh38, 1-based): chrX:31,658,123, G>A on the plus strand (C>T on the coding strand, the complement: DMD is on the minus strand). VCF-style: chrX-31658123-G-A. GRCh37 (hg19) VCF-style: chrX-31676240-G-A.
Other names: NP_003997.1:p.Gln2632*; c.7870C>T, p.Gln2624Ter (NM_000109.4); c.7882C>T, p.Gln2628Ter (NM_004009.3); c.7525C>T, p.Gln2509Ter (NM_004010.3); c.3871C>T, p.Gln1291Ter (NM_004011.4); c.3862C>T, p.Gln1288Ter (NM_004012.4); c.514C>T, p.Gln172Ter (NM_004013.3, NM_004020.4, NM_004021.3 and 2 more transcripts); short protein forms Q2632*, Q1288*, Q1291*, Q172*, Q2509*, Q2624*, Q2628*.
Identifiers: ClinVar variation 94781 (VCV000094781.14), dbSNP rs398124058, ClinGen allele CA267150.